The following is an entry in ClinVar:

NM_000692.5(ALDH1B1):c.281G>A (p.Arg94His)

Gene: ALDH1B1 (aldehyde dehydrogenase 1 family member B1; plus strand). Cytogenetic location: 9p13.1.
Variant type: single nucleotide variant.
Coding change: c.281G>A on transcript NM_000692.5 (MANE Select); coding-DNA position 281, G replaced by A.
Protein change: p.Arg94His; replaces arginine 94 with histidine.
Molecular consequence: missense variant.
Genome position (GRCh38, 1-based): chr9:38,396,029, G>A. VCF-style: chr9-38396029-G-A. GRCh37 (hg19) VCF-style: chr9-38396026-G-A.
Other names: p.R94H:CGC>CAC; short protein forms R94H.
Identifiers: ClinVar variation 214107 (VCV000214107.2), dbSNP rs138473422, ClinGen allele CA320545.

ClinVar aggregate classification (germline): Uncertain significance (1 of 4 stars; one submission).

Allele frequency attached by ClinVar (database versions not stated): gnomAD 0.00002 and 0.00003; TOPMed 0.00002; gnomAD exomes 0.00003 and 0.00004; ESP Exome Variant Server 0.00008; ExAC 0.00007.
gnomAD v4.1: 41 of 1,613,712 alleles (0.0025%); highest among the groups gnomAD compares: Middle Eastern, 0.033%; 1 homozygote.

Submission:

GeneDx
Classification: Uncertain significance. Last evaluated: 2014-07-07. Review status: criteria provided, single submitter. Criteria: GeneDx Variant Classification (06012015). Collection method: clinical testing. Allele origin: germline. Affected: yes.
Comment: p.Arg94His (CGC>CAC): c.281 G>A in exon 2 of the ALDH1B1 gene (NM_000692.4). The R94H variant has not been published as a mutation, nor has it been reported as a benign polymorphism to our knowledge. The R94H variant is a conservative amino acid substitution, which is not likely to impact secondary protein structure as these residues share similar properties. This substitution occurs at a position that is not conserved across species. In silico analysis predicts this variant is probably damaging to the protein structure/function. Therefore, based on the currently available information, it is unclear whether this variant is a pathogenic mutation or a rare benign variant. The variant is found in MITONUC-MITOP panel(s).